The following is an entry in ClinVar:

NM_001792.5(CDH2):c.1849G>A (p.Asp617Asn)

Gene: CDH2 (cadherin 2; minus strand). Cytogenetic location: 18q12.1.
Variant type: single nucleotide variant.
Coding change: c.1849G>A on transcript NM_001792.5 (MANE Select); coding-DNA position 1849, G replaced by A.
Protein change: p.Asp617Asn; replaces aspartic acid 617 with asparagine.
Molecular consequence: missense variant.
Genome position (GRCh38, 1-based): chr18:27,985,654, C>T on the plus strand (G>A on the coding strand, the complement: CDH2 is on the minus strand). VCF-style: chr18-27985654-C-T. GRCh37 (hg19) VCF-style: chr18-25565618-C-T.
Other names: c.1756G>A, p.Asp586Asn (NM_001308176.2); short protein forms D586N, D617N.
Identifiers: ClinVar variation 3697838 (VCV003697838.2).

ClinVar aggregate classification (germline): Uncertain significance (1 of 4 stars; one submission).

gnomAD v4.1: 3 of 1,613,808 alleles (0.00019%); highest among the groups gnomAD compares: Non-Finnish European, 0.00025%; no homozygotes.

Submission:

Labcorp Genetics (formerly Invitae), Labcorp
Classification: Uncertain significance. Last evaluated: 2024-07-15. Review status: criteria provided, single submitter. Criteria: Invitae Variant Classification Sherloc (09022015). Collection method: clinical testing. Allele origin: germline.
Comment: This sequence change replaces aspartic acid, which is acidic and polar, with asparagine, which is neutral and polar, at codon 617 of the CDH2 protein (p.Asp617Asn). This variant is not present in population databases (gnomAD no frequency). This variant has not been reported in the literature in individuals affected with CDH2-related conditions. An algorithm developed to predict the effect of missense changes on protein structure and function (PolyPhen-2) suggests that this variant is likely to be tolerated. In summary, the available evidence is currently insufficient to determine the role of this variant in disease. Therefore, it has been classified as a Variant of Uncertain Significance.